The following is an entry in ClinVar:

NM_000441.2(SLC26A4):c.2218G>T (p.Gly740Cys)

Gene: SLC26A4 (solute carrier family 26 member 4; plus strand). Cytogenetic location: 7q22.3.
Variant type: single nucleotide variant.
Coding change: c.2218G>T on transcript NM_000441.2 (MANE Select); coding-DNA position 2218, G replaced by T.
Protein change: p.Gly740Cys; replaces glycine 740 with cysteine.
Molecular consequence: missense variant.
Genome position (GRCh38, 1-based): chr7:107,710,182, G>T. VCF-style: chr7-107710182-G-T. GRCh37 (hg19) VCF-style: chr7-107350627-G-T.
Other names: short protein forms G740C.
Identifiers: ClinVar variation 4989632 (VCV004989632.1).

ClinVar aggregate classification (germline): Uncertain significance (1 of 4 stars; one submission).

Conditions:
SLC26A4-related disorder. Also called: SLC26A4-related disorders; SLC26A4-related condition.

gnomAD v4.1: 14 of 1,604,814 alleles (0.00087%); highest among the groups gnomAD compares: Admixed American, 0.0067%; no homozygotes.

Submission:

PreventionGenetics, part of Exact Sciences
Classification: Uncertain significance for SLC26A4-related condition. Last evaluated: 2025-04-01. Review status: criteria provided, single submitter. Criteria: ACMG Guidelines, 2015. Collection method: clinical testing. Allele origin: germline.
Comment: The SLC26A4 c.2218G>T variant is predicted to result in the amino acid substitution p.Gly740Cys. To our knowledge, this variant has not been reported in the literature. This variant is reported in 0.0058% of alleles in individuals of Latino descent in gnomAD. At this time, the clinical significance of this variant is uncertain due to the absence of conclusive functional and genetic evidence.